The following is an entry in ClinVar:

NM_015443.4(KANSL1):c.92C>T (p.Pro31Leu)

Gene: KANSL1 (KAT8 regulatory NSL complex subunit 1). Cytogenetic location: 17q21.31.
Variant type: single nucleotide variant.
Coding change: c.92C>T on transcript NM_015443.4 (MANE Select); coding-DNA position 92, C replaced by T.
Protein change: p.Pro31Leu; replaces proline 31 with leucine.
Molecular consequence: missense variant.
Genome position (GRCh38, 1-based): chr17:46,172,052, G>A on the plus strand (C>T on the coding strand, the complement: KANSL1 is on the minus strand). VCF-style: chr17-46172052-G-A. GRCh37 (hg19) VCF-style: chr17-44249418-G-A.
Other names: c.92C>T, p.Pro31Leu (NM_001193465.2, NM_001193466.2, NM_001379198.1); short protein forms P31L.
Identifiers: ClinVar variation 1503693 (VCV001503693.5), dbSNP rs754355381, ClinGen allele CA8619115.
Genomic context (GRCh38, chr17:46,172,052, plus strand): 5'-CTTTTGGTTCCGTTGGCAGCAATAAGGATGTTGGCGTTGCCGTTATTTTCGGCACTGCCA[G>A]GGGACAAGGTAGAGGATGGGGGAGCCAGTTTGAACCGGATATGGTGTGCTTCAGCTGCTG-3'
Protein context (NP_056258.1, residues 21-41): KLAPPSSTLS[Pro31Leu]GSAENNGNAN

ClinVar aggregate classification (germline): Uncertain significance (1 of 4 stars; one submission).

Conditions:
Koolen-de Vries syndrome (KDVS). Identifiers: Orphanet 96169, MedGen C1864871, MONDO:0012496, OMIM 610443.

Allele frequency attached by ClinVar (database versions not stated): gnomAD 0.00001; gnomAD exomes 0.00001; ExAC 0.00002.
gnomAD v4.1: 10 of 1,614,080 alleles (0.00062%); highest among the groups gnomAD compares: African/African-American, 0.0013%; no homozygotes.

Submission:

Labcorp Genetics (formerly Invitae), Labcorp
Classification: Uncertain significance for Koolen-de Vries syndrome. Last evaluated: 2021-09-17. Review status: criteria provided, single submitter. Criteria: Invitae Variant Classification Sherloc (09022015). Collection method: clinical testing. Allele origin: germline.
Comment: Due to the possible presence of a polymorphic segmental duplication, the location of the variant could not be unambiguously resolved. Variants with ambiguous mapping are still reported relative to the KANSL1 transcript. This sequence change replaces proline with leucine at codon 31 of the KANSL1 protein (p.Pro31Leu). The proline residue is highly conserved and there is a moderate physicochemical difference between proline and leucine. The frequency data for this variant in the population databases (ExAC) is considered unreliable due to the presence of homologous sequence, such as pseudogenes or paralogs, in the genome. This variant has not been reported in the literature in individuals with KANSL1-related conditions. Algorithms developed to predict the effect of missense changes on protein structure and function are either unavailable or do not agree on the potential impact of this missense change (SIFT: "Tolerated"; PolyPhen-2: "Probably Damaging"; Align-GVGD: "Class C0"). Until the location of this sequence change can be resolved, the clinical significance of this variant remains uncertain. It has been classified as a Variant of Uncertain Significance.